The following is an entry in ClinVar:

ClinVar aggregate classification (germline): Likely pathogenic (1 of 4 stars; one submission).

Conditions:
Dilated cardiomyopathy 1G (CMD1G). Identifiers: Orphanet 154, MedGen C1858763, MONDO:0011400, OMIM 604145.
Autosomal recessive limb-girdle muscular dystrophy type 2J (LGMDR10). Also called: MUSCULAR DYSTROPHY, LIMB-GIRDLE, AUTOSOMAL RECESSIVE 10; Limb-girdle muscular dystrophy, type 2J. Identifiers: Orphanet 140922, MedGen C1837342, MONDO:0012127, OMIM 608807.

Submission:

Labcorp Genetics (formerly Invitae), Labcorp
Classification: Likely pathogenic for Dilated cardiomyopathy 1G; Autosomal recessive limb-girdle muscular dystrophy type 2J. Last evaluated: 2024-10-18. Review status: criteria provided, single submitter. Criteria: Invitae Variant Classification Sherloc (09022015). Collection method: clinical testing. Allele origin: germline.
Comment: This sequence change creates a premature translational stop signal (p.Val1289Leufs*108) in the TTN gene. While this is not anticipated to result in nonsense mediated decay, it is expected to create a truncated TTN protein. This variant is not present in population databases (gnomAD no frequency). This variant has not been reported in the literature in individuals affected with TTN-related conditions. ClinVar contains an entry for this variant (Variation ID: 1476186). This variant is located in the Z band of TTN (PMID: 25589632). Truncating variants in this region have been reported in individuals affected with autosomal recessive centronuclear myopathy (PMID: 33449170, internal data). Truncating variants in this region have also been identified in individuals affected with autosomal dominant dilated cardiomyopathy and/or cardio-related conditions (PMID: 27869827, 32964742, internal data). In summary, the currently available evidence indicates that the variant is pathogenic, but additional data are needed to prove that conclusively. Therefore, this variant has been classified as Likely Pathogenic.

Literature cited by the submitters: PubMed 25589632; PubMed 33449170; PubMed 27869827; PubMed 32964742.

NM_001267550.2(TTN):c.3864del (p.Val1289fs)

Genes: TTN (titin; minus strand), LOC101927055 (uncharacterized LOC101927055; plus strand). Cytogenetic location: 2q31.2.
Variant type: Deletion.
Coding change: c.3864del on transcript NM_001267550.2 (MANE Select); coding-DNA position 3864, one base deleted (T; older notation c.3864delT).
Protein change: p.Val1289fs; shifts the reading frame from valine 1289.
Molecular consequence: frameshift variant.
Genome position (GRCh38, 1-based): chr2:178,779,328, A deleted on the plus strand (T on the coding strand, the reverse complement: TTN is on the minus strand). VCF-style (leftmost placement, unchanged base first): chr2-178779327-CA-C. GRCh37 (hg19) VCF-style: chr2-179644054-CA-C.
Other names: c.3864del, p.Val1289fs (NM_001256850.1, NM_133378.4, NM_133379.5); c.3726del, p.Val1243fs (NM_003319.4, NM_133432.3, NM_133437.4); short protein forms V1243fs, V1289fs.
Identifiers: ClinVar variation 1476186 (VCV001476186.8), dbSNP rs2154347714, ClinGen allele CA2573134004.
Genomic context (GRCh38, chr2:178,779,327, plus strand): 5'-TGACACCCATCCCCTCAAGAATTCTATAATTCTTGATTCTTGAATCAAATCCTGATTCAA[CA>C]GCTTCAGATTCAGAAATGTCAACTGCCATCTTTTCTTCTCCATCTTCTTCAAGAAGTTCT-3'